The following is an entry in ClinVar:

ClinVar aggregate classification (germline): Uncertain significance (1 of 4 stars; one submission).

Conditions:
Hereditary spastic paraplegia 11. Also called: SPASTIC PARAPLEGIA, AUTOSOMAL RECESSIVE, COMPLICATED, WITH THIN CORPUS CALLOSUM; SPASTIC PARAPLEGIA, AUTOSOMAL RECESSIVE, WITH MENTAL IMPAIRMENT AND THIN CORPUS CALLOSUM; Spastic paraplegia, mental retardation and thin corpus callosum; Nakamura Osame syndrome; Autosomal recessive hereditary spastic paraplegia, mental impairment, and thin corpus callosum; Spastic Paraplegia 11. Identifiers: Orphanet 2822, MedGen C1858479, MONDO:0011445, OMIM 604360.

Allele frequency attached by ClinVar (database versions not stated): gnomAD exomes below 0.00001 and 0.00001.
gnomAD v4.1: 5 of 1,613,854 alleles (0.00031%); highest among the groups gnomAD compares: Non-Finnish European, 0.00034%; no homozygotes.

Submission:

Labcorp Genetics (formerly Invitae), Labcorp
Classification: Uncertain significance for Hereditary spastic paraplegia 11. Last evaluated: 2021-09-01. Review status: criteria provided, single submitter. Criteria: Invitae Variant Classification Sherloc (09022015). Collection method: clinical testing. Allele origin: germline.
Comment: This sequence change replaces glutamine with histidine at codon 1062 of the SPG11 protein (p.Gln1062His). The glutamine residue is highly conserved and there is a small physicochemical difference between glutamine and histidine. This variant is not present in population databases (ExAC no frequency). This variant has not been reported in the literature in individuals affected with SPG11-related conditions. Algorithms developed to predict the effect of missense changes on protein structure and function output the following: SIFT: "Deleterious"; PolyPhen-2: "Benign"; Align-GVGD: "Class C0". The histidine amino acid residue is found in multiple mammalian species, which suggests that this missense change does not adversely affect protein function. In summary, the available evidence is currently insufficient to determine the role of this variant in disease. Therefore, it has been classified as a Variant of Uncertain Significance.

NM_025137.4(SPG11):c.3186G>C (p.Gln1062His)

Gene: SPG11 (SPG11 vesicle trafficking associated, spatacsin; minus strand). Cytogenetic location: 15q21.1.
Variant type: single nucleotide variant.
Coding change: c.3186G>C on transcript NM_025137.4 (MANE Select); coding-DNA position 3186, G replaced by C.
Protein change: p.Gln1062His; replaces glutamine 1062 with histidine.
Molecular consequence: missense variant.
Genome position (GRCh38, 1-based): chr15:44,610,945, C>G on the plus strand (G>C on the coding strand, the complement: SPG11 is on the minus strand). VCF-style: chr15-44610945-C-G. GRCh37 (hg19) VCF-style: chr15-44903143-C-G.
Other names: c.3186G>C, p.Gln1062His (NM_001160227.2); short protein forms Q1062H.
Identifiers: ClinVar variation 654749 (VCV000654749.6), dbSNP rs11070430, ClinGen allele CA392227077.